The following is an entry in ClinVar:

NM_004656.4(BAP1):c.1444T>G (p.Ser482Ala)

Gene: BAP1 (BRCA1 associated deubiquitinase 1; minus strand). Cytogenetic location: 3p21.1.
Variant type: single nucleotide variant.
Coding change: c.1444T>G on transcript NM_004656.4 (MANE Select); coding-DNA position 1444, T replaced by G.
Protein change: p.Ser482Ala; replaces serine 482 with alanine.
Molecular consequence: missense variant.
Genome position (GRCh38, 1-based): chr3:52,403,701, A>C on the plus strand (T>G on the coding strand, the complement: BAP1 is on the minus strand). VCF-style: chr3-52403701-A-C. GRCh37 (hg19) VCF-style: chr3-52437717-A-C.
Other names: short protein forms S482A.
Identifiers: ClinVar variation 947531 (VCV000947531.7), dbSNP rs1705050638, ClinGen allele CA353101292.

ClinVar aggregate classification (germline): Uncertain significance (1 of 4 stars; one submission).

Conditions:
BAP1-related tumor predisposition syndrome (TPDS1). Also called: Tumor susceptibility linked to germline BAP1 mutations; BAP1 tumor predisposition syndrome; COMMON Syndrome; TUMOR PREDISPOSITION SYNDROME 1. Identifiers: Orphanet 289539, MedGen C3280492, MONDO:0013692, OMIM 614327.

Submission:

Labcorp Genetics (formerly Invitae), Labcorp
Classification: Uncertain significance for BAP1-related tumor predisposition syndrome. Last evaluated: 2023-10-30. Review status: criteria provided, single submitter. Criteria: Invitae Variant Classification Sherloc (09022015). Collection method: clinical testing. Allele origin: germline.
Comment: This sequence change replaces serine, which is neutral and polar, with alanine, which is neutral and non-polar, at codon 482 of the BAP1 protein (p.Ser482Ala). This variant is not present in population databases (gnomAD no frequency). This variant has not been reported in the literature in individuals affected with BAP1-related conditions. ClinVar contains an entry for this variant (Variation ID: 947531). Advanced modeling of protein sequence and biophysical properties (such as structural, functional, and spatial information, amino acid conservation, physicochemical variation, residue mobility, and thermodynamic stability) performed at Invitae indicates that this missense variant is not expected to disrupt BAP1 protein function with a negative predictive value of 80%. In summary, the available evidence is currently insufficient to determine the role of this variant in disease. Therefore, it has been classified as a Variant of Uncertain Significance.